The following is an entry in ClinVar:

ClinVar aggregate classification (germline): Likely benign (1 of 4 stars; one submission).

Allele frequency attached by ClinVar (database versions not stated): gnomAD exomes below 0.00001 and 0.00001; gnomAD 0.00001; ExAC 0.00002.
gnomAD v4.1: 11 of 1,614,118 alleles (0.00068%); highest among the groups gnomAD compares: East Asian, 0.0022%; no homozygotes.

Submission:

GeneDx
Classification: Likely benign. Last evaluated: 2018-05-04. Review status: criteria provided, single submitter. Criteria: GeneDx Variant Classification (06012015). Collection method: clinical testing. Allele origin: germline. Affected: yes.
Comment: This variant is considered likely benign or benign based on one or more of the following criteria: it is a conservative change, it occurs at a poorly conserved position in the protein, it is predicted to be benign by multiple in silico algorithms, and/or has population frequency not consistent with disease.

NM_001267550.2(TTN):c.7147A>C (p.Ser2383Arg)

Genes: TTN (titin; minus strand), LOC126806433 (BRD4-independent group 4 enhancer GRCh37_chr2:179638309-179639508; plus strand). Cytogenetic location: 2q31.2.
Variant type: single nucleotide variant.
Coding change: c.7147A>C on transcript NM_001267550.2 (MANE Select); coding-DNA position 7147, A replaced by C.
Protein change: p.Ser2383Arg; replaces serine 2383 with arginine.
Molecular consequence: missense variant.
Genome position (GRCh38, 1-based): chr2:178,774,021, T>G on the plus strand (A>C on the coding strand, the complement: TTN is on the minus strand). VCF-style: chr2-178774021-T-G. GRCh37 (hg19) VCF-style: chr2-179638748-T-G.
Other names: c.7147A>C, p.Ser2383Arg (NM_001256850.1, NM_133378.4, NM_133379.5); c.7009A>C, p.Ser2337Arg (NM_003319.4, NM_133432.3, NM_133437.4); short protein forms S2337R, S2383R.
Identifiers: ClinVar variation 682364 (VCV000682364.1), dbSNP rs770123979, ClinGen allele CA2004890.